The following is an entry in ClinVar:

ClinVar aggregate classification (germline): Uncertain significance (1 of 4 stars; one submission).

Conditions:
Baller-Gerold syndrome (BGS). Also called: CRANIOSYNOSTOSIS WITH RADIAL DEFECTS. Identifiers: Orphanet 1225, MedGen C0265308, MONDO:0009039, OMIM 218600.

Submission:

Labcorp Genetics (formerly Invitae), Labcorp
Classification: Uncertain significance for Baller-Gerold syndrome. Last evaluated: 2025-05-19. Review status: criteria provided, single submitter. Criteria: Invitae Variant Classification Sherloc (09022015). Collection method: clinical testing. Allele origin: germline.
Comment: This sequence change replaces alanine, which is neutral and non-polar, with phenylalanine, which is neutral and non-polar, at codon 773 of the RECQL4 protein (p.Ala773Phe). Information on the frequency of this variant in the gnomAD database is not available, as this variant may be reported differently in the database. This variant has not been reported in the literature in individuals affected with RECQL4-related conditions. ClinVar contains an entry for this variant (Variation ID: 580582). Experimental studies and prediction algorithms are not available or were not evaluated, and the functional significance of this variant is currently unknown. In summary, the available evidence is currently insufficient to determine the role of this variant in disease. Therefore, it has been classified as a Variant of Uncertain Significance.

NM_004260.4(RECQL4):c.2317_2318delinsTT (p.Ala773Phe)

Gene: RECQL4 (RecQ like helicase 4; minus strand). Cytogenetic location: 8q24.3.
Variant type: Indel.
Coding change: c.2317_2318delinsTT on transcript NM_004260.4 (MANE Select); coding-DNA positions 2317 to 2318, GC replaced by TT.
Protein change: p.Ala773Phe; replaces alanine 773 with phenylalanine.
Molecular consequence: missense variant.
Genome position (GRCh38, 1-based): chr8:144,513,363-144,513,364, GC replaced by AA on the plus strand (GC replaced by TT on the coding strand, the reverse complement: RECQL4 is on the minus strand). VCF-style: chr8-144513363-GC-AA. GRCh37 (hg19) VCF-style: chr8-145738746-GC-AA.
Other names: c.2317_2318delGCinsTT (NM_004260.3); short protein forms A773F.
Identifiers: ClinVar variation 580582 (VCV000580582.7), dbSNP rs1564794977, ClinGen allele CA891842668.
Genomic context (GRCh38, chr8:144,513,363, plus strand): 5'-GGGGGCAGCCCCAGATGCAGCACAGCCCGCACATCTGGCCGGTCCAGCCCCATCCCAAAG[GC>AA]CACCGTGGCCACCACCACCCGCAACTGGCCCTGCATGAAGGCTCGCTGTACCCGCCGCCG-3'
Protein context (NP_004251.4, residues 763-783): GQLRVVVATV[Ala773Phe]FGMGLDRPDV